The following is an entry in ClinVar:

NM_015114.3(ANKLE2):c.1041+5G>T

Gene: ANKLE2 (ankyrin repeat and LEM domain containing 2; minus strand). Cytogenetic location: 12q24.33.
Variant type: single nucleotide variant.
Coding change: c.1041+5G>T on transcript NM_015114.3 (MANE Select); 5 bases into the intron after coding-DNA position 1041, G replaced by T.
Molecular consequence: intron variant.
Genome position (GRCh38, 1-based): chr12:132,748,133, C>A on the plus strand (G>T on the coding strand, the complement: ANKLE2 is on the minus strand). VCF-style: chr12-132748133-C-A. GRCh37 (hg19) VCF-style: chr12-133324719-C-A.
Identifiers: ClinVar variation 1710829 (VCV001710829.2), dbSNP rs375441549, ClinGen allele CA6895799.

ClinVar aggregate classification (germline): Uncertain significance (1 of 4 stars; one submission).

Allele frequency attached by ClinVar (database versions not stated): ESP Exome Variant Server 0.00008; ExAC 0.00013; gnomAD 0.00015; TOPMed 0.00020.
gnomAD v4.1: 323 of 1,611,908 alleles (0.02%); highest among the groups gnomAD compares: Admixed American, 0.043%; no homozygotes.

Submission:

GeneDx
Classification: Uncertain significance. Last evaluated: 2022-04-16. Review status: criteria provided, single submitter. Criteria: GeneDx Variant Classification Process June 2021. Collection method: clinical testing. Allele origin: germline. Affected: yes.
Comment: Has not been previously published as pathogenic or benign to our knowledge; In silico analysis, which includes splice predictors and evolutionary conservation, suggests this variant may impact gene splicing. In the absence of RNA/functional studies, the actual effect of this sequence change is unknown.